The following is an entry in ClinVar:

ClinVar aggregate classification (germline): Uncertain significance (1 of 4 stars; one submission).

Allele frequency attached by ClinVar (database versions not stated): gnomAD exomes below 0.00001.
gnomAD v4.1: 2 of 1,613,226 alleles (0.00012%); highest among the groups gnomAD compares: Admixed American, 0.0017%; no homozygotes.

Submission:

Labcorp Genetics (formerly Invitae), Labcorp
Classification: Uncertain significance. Last evaluated: 2022-03-31. Review status: criteria provided, single submitter. Criteria: Invitae Variant Classification Sherloc (09022015). Collection method: clinical testing. Allele origin: germline.
Comment: This sequence change replaces lysine, which is basic and polar, with glutamic acid, which is acidic and polar, at codon 331 of the SLC24A5 protein (p.Lys331Glu). This variant is not present in population databases (gnomAD no frequency). This variant has not been reported in the literature in individuals affected with SLC24A5-related conditions. Algorithms developed to predict the effect of missense changes on protein structure and function are either unavailable or do not agree on the potential impact of this missense change (SIFT: "Deleterious"; PolyPhen-2: "Benign"; Align-GVGD: "Class C0"). In summary, the available evidence is currently insufficient to determine the role of this variant in disease. Therefore, it has been classified as a Variant of Uncertain Significance.

NM_205850.3(SLC24A5):c.991A>G (p.Lys331Glu)

Genes: MYEF2 (myelin expression factor 2; minus strand), SLC24A5 (solute carrier family 24 member 5; plus strand). Cytogenetic location: 15q21.1.
Variant type: single nucleotide variant.
Coding change: c.991A>G on transcript NM_205850.3 (MANE Select); coding-DNA position 991, A replaced by G.
Protein change: p.Lys331Glu; replaces lysine 331 with glutamic acid.
Molecular consequence: missense variant. On other transcripts: 3 prime UTR variant (2).
Genome position (GRCh38, 1-based): chr15:48,139,088, A>G. VCF-style: chr15-48139088-A-G. GRCh37 (hg19) VCF-style: chr15-48431285-A-G.
Other names: c.*3820T>C (NM_001301210.2, NM_016132.5); short protein forms K331E.
Identifiers: ClinVar variation 1925208 (VCV001925208.5), dbSNP rs2504628188, ClinGen allele CA392453008.